The following is an entry in ClinVar:

ClinVar aggregate classification (germline): Conflicting classifications of pathogenicity. Review status: criteria provided, conflicting classifications (1 of 4 stars). 5 submissions from 5 submitters: Uncertain significance (3); Likely benign (2). Last evaluated 2025-07-21.

Conditions:
BBS10-related disorder. Also called: BBS10-related condition.
Inborn genetic diseases. Identifiers: MedGen C0950123, MeSH D030342.
Bardet-Biedl syndrome (BBS). Identifiers: Orphanet 110, MedGen C0752166, MONDO:0015229.

Allele frequency attached by ClinVar (database versions not stated): gnomAD exomes 0.00001; ExAC 0.00003; gnomAD 0.00005; TOPMed 0.00006; ESP Exome Variant Server 0.00023.

Submissions (5):

Labcorp Genetics (formerly Invitae), Labcorp
Classification: Uncertain significance for Bardet-Biedl syndrome. Last evaluated: 2025-07-21. Review status: criteria provided, single submitter. Criteria: Invitae Variant Classification Sherloc (09022015). Collection method: clinical testing. Allele origin: germline.
Comment: This sequence change replaces lysine, which is basic and polar, with arginine, which is basic and polar, at codon 642 of the BBS10 protein (p.Lys642Arg). This variant is present in population databases (rs143062348, gnomAD 0.03%). This variant has not been reported in the literature in individuals affected with BBS10-related conditions. ClinVar contains an entry for this variant (Variation ID: 1980991). Invitae Evidence Modeling of protein sequence and biophysical properties (such as structural, functional, and spatial information, amino acid conservation, physicochemical variation, residue mobility, and thermodynamic stability) indicates that this missense variant is not expected to disrupt BBS10 protein function with a negative predictive value of 80%. In summary, the available evidence is currently insufficient to determine the role of this variant in disease. Therefore, it has been classified as a Variant of Uncertain Significance.

PreventionGenetics, part of Exact Sciences
Classification: Uncertain significance for BBS10-related condition. Last evaluated: 2025-07-15. Review status: criteria provided, single submitter. Criteria: ACMG Guidelines, 2015. Collection method: clinical testing. Allele origin: germline.
Comment: The BBS10 c.1925A>G variant is predicted to result in the amino acid substitution p.Lys642Arg. To our knowledge, this variant has not been reported in the literature. This variant is reported in 0.036% of alleles in individuals of African descent in gnomAD. At this time, the clinical significance of this variant is uncertain due to the absence of conclusive functional and genetic evidence.

Ambry Genetics
Classification: Likely benign for Inborn genetic diseases. Last evaluated: 2024-07-26. Review status: criteria provided, single submitter. Criteria: Ambry Variant Classification Scheme 2023. Collection method: clinical testing. Allele origin: germline.

Mayo Clinic Laboratories, Mayo Clinic
Classification: Uncertain significance. Last evaluated: 2023-10-03. Review status: criteria provided, single submitter. Criteria: ACMG Guidelines, 2015. Collection method: clinical testing. Allele origin: germline. Observed: 1 variant allele.
Comment: BP4_strong

Blueprint Genetics
Classification: Likely benign. Last evaluated: 2022-12-01. Review status: criteria provided, single submitter. Criteria: ACMG Guidelines, 2015. Collection method: clinical testing. Allele origin: germline.

NM_024685.4(BBS10):c.1925A>G (p.Lys642Arg)

Gene: BBS10 (Bardet-Biedl syndrome 10; minus strand). Cytogenetic location: 12q21.2.
Variant type: single nucleotide variant.
Coding change: c.1925A>G on transcript NM_024685.4 (MANE Select); coding-DNA position 1925, A replaced by G.
Protein change: p.Lys642Arg; replaces lysine 642 with arginine.
Molecular consequence: missense variant.
Genome position (GRCh38, 1-based): chr12:76,346,060, T>C on the plus strand (A>G on the coding strand, the complement: BBS10 is on the minus strand). VCF-style: chr12-76346060-T-C. GRCh37 (hg19) VCF-style: chr12-76739840-T-C.
Other names: p.Lys642Arg; c.1925A>G (NM_024685.3); short protein forms K642R.
Identifiers: ClinVar variation 1980991 (VCV001980991.7), dbSNP rs143062348, ClinGen allele CA6694082.